The following is an entry in ClinVar:

NM_006648.4(WNK2):c.6562G>C (p.Ala2188Pro)

Gene: WNK2 (WNK lysine deficient protein kinase 2; plus strand). Cytogenetic location: 9q22.31.
Variant type: single nucleotide variant.
Coding change: c.6562G>C on transcript NM_006648.4 (MANE Select); coding-DNA position 6562, G replaced by C.
Protein change: p.Ala2188Pro; replaces alanine 2188 with proline.
Molecular consequence: missense variant.
Genome position (GRCh38, 1-based): chr9:93,317,565, G>C. VCF-style: chr9-93317565-G-C. GRCh37 (hg19) VCF-style: chr9-96079847-G-C.
Other names: c.6673G>C, p.Ala2225Pro (NM_001282394.3); short protein forms A2188P, A2225P.
Identifiers: ClinVar variation 3817014 (VCV003817014.1).
Genomic context (GRCh38, chr9:93,317,565, plus strand): 5'-CTCTGTGTTTTGTAGATGACCGCACCTCGAGCAGGAGTGGGGATGCCACGTCTGCCCCCA[G>C]CGCCCGGCCCTCTGTCCACCACGGTCATTCCCGGAGCCGCCCCGACCCTGTCCGTGCCCA-3'
Protein context (NP_006639.3, residues 2178-2198): AGVGMPRLPP[Ala2188Pro]PGPLSTTVIP

ClinVar aggregate classification (germline): Uncertain significance (1 of 4 stars; one submission).

Submission:

Ambry Genetics
Classification: Uncertain significance. Last evaluated: 2025-02-06. Review status: criteria provided, single submitter. Criteria: Ambry Variant Classification Scheme 2023. Collection method: clinical testing. Allele origin: germline.
Comment: The p.A2188P variant (also known as c.6562G>C), located in coding exon 28 of the WNK2 gene, results from a G to C substitution at nucleotide position 6562. The alanine at codon 2188 is replaced by proline, an amino acid with highly similar properties. This amino acid position is conserved. In addition, this alteration is predicted to be tolerated by in silico analysis. Based on the available evidence, the clinical significance of this variant remains unclear.